The following is an entry in ClinVar:

NM_022552.5(DNMT3A):c.1373G>T (p.Arg458Leu)

Gene: DNMT3A (DNA methyltransferase 3 alpha; minus strand). Cytogenetic location: 2p23.3.
Variant type: single nucleotide variant.
Coding change: c.1373G>T on transcript NM_022552.5 (MANE Select); coding-DNA position 1373, G replaced by T.
Protein change: p.Arg458Leu; replaces arginine 458 with leucine.
Molecular consequence: missense variant. On other transcripts: non-coding transcript variant (1).
Genome position (GRCh38, 1-based): chr2:25,246,216, C>A on the plus strand (G>T on the coding strand, the complement: DNMT3A is on the minus strand). VCF-style: chr2-25246216-C-A. GRCh37 (hg19) VCF-style: chr2-25469085-C-A.
Other names: c.917G>T, p.Arg306Leu (NM_001320893.1); c.704G>T, p.Arg235Leu (NM_001375819.1); c.806G>T, p.Arg269Leu (NM_153759.3); c.1373G>T, p.Arg458Leu (NM_175629.2); short protein forms R235L, R306L, R458L, R269L.
Identifiers: ClinVar variation 4013912 (VCV004013912.1).
Genomic context (GRCh38, chr2:25,246,216, plus strand): 5'-CTACCTCTTGTGCGCTCATCAATAATCTCCTTGACCTTGGGCTTCTCCGCTGTGCTCTTC[C>A]GGGGCTTTTTGGCTGGTGGAGGTGGTGCGTAGGCAGCTGCCTCAGGTTCCACCCACATGT-3'
Protein context (NP_072046.2, residues 448-468): YAPPPPAKKP[Arg458Leu]KSTAEKPKVK

ClinVar aggregate classification (germline): Uncertain significance (1 of 4 stars; one submission).

Conditions:
Inborn genetic diseases. Identifiers: MedGen C0950123, MeSH D030342.

Submission:

Ambry Genetics
Classification: Uncertain significance for Inborn genetic diseases. Last evaluated: 2025-04-16. Review status: criteria provided, single submitter. Criteria: Ambry Variant Classification Scheme 2023. Collection method: clinical testing. Allele origin: germline.
Comment: The p.R458L variant (also known as c.1373G>T), located in coding exon 10 of the DNMT3A gene, results from a G to T substitution at nucleotide position 1373. The arginine at codon 458 is replaced by leucine, an amino acid with dissimilar properties. This amino acid position is conserved. In addition, this alteration is predicted to be deleterious by in silico analysis. Based on the available evidence, the clinical significance of this variant remains unclear.